The following is an entry in ClinVar:

NM_001142416.2(AIMP1):c.773-2A>C

Gene: AIMP1 (aminoacyl tRNA synthetase complex interacting multifunctional protein 1; plus strand). Cytogenetic location: 4q24.
Variant type: single nucleotide variant.
Coding change: c.773-2A>C on transcript NM_001142416.2 (MANE Select); the canonical splice acceptor site of the intron before coding-DNA position 773, A replaced by C.
Molecular consequence: splice acceptor variant.
Genome position (GRCh38, 1-based): chr4:106,347,524, A>C. VCF-style: chr4-106347524-A-C. GRCh37 (hg19) VCF-style: chr4-107268681-A-C.
Other names: NC_000004.11:g.107268681A>C; c.773-2A>C (NM_001142415.2, NM_004757.4).
Identifiers: ClinVar variation 1310449 (VCV001310449.4), dbSNP rs372542318, ClinGen allele CA3035805.
Genomic context (GRCh38, chr4:106,347,524, plus strand): 5'-TCTCTTTAATATTTTTGTATATTAGCTGTGTAATTTTCTTGTGCTTTTTTTCTCCTACAC[A>C]GGAGAGCCTGACAAGGAGCTGAATCCTAAGAAGAAGATTTGGGAGCAGATCCAGCCTGAT-3'

ClinVar aggregate classification (germline): Uncertain significance. Review status: criteria provided, multiple submitters, no conflicts (2 of 4 stars). 2 submissions from 2 submitters: Uncertain significance (2). Last evaluated 2024-10-24.

Allele frequency attached by ClinVar (database versions not stated): TOPMed 0.00002; gnomAD 0.00003; gnomAD exomes 0.00003; ExAC 0.00004; ESP Exome Variant Server 0.00008.
gnomAD v4.1: 55 of 1,612,186 alleles (0.0034%); highest among the groups gnomAD compares: Non-Finnish European, 0.0047%; no homozygotes.

Submissions (3):

Blueprint Genetics
Classification: Uncertain significance. Last evaluated: 2024-10-24. Review status: criteria provided, single submitter. Criteria: ACMG Guidelines, 2015. Collection method: clinical testing. Allele origin: germline.

GeneDx
Classification: Uncertain significance. Last evaluated: 2019-12-15. Review status: criteria provided, single submitter. Criteria: GeneDx Variant Classification Process June 2021. Collection method: clinical testing. Allele origin: germline. Affected: yes.
Comment: Canonical splice acceptor site of intron 6 is destroyed; adjacent exon is out-of-frame; Has not been previously published as pathogenic or benign to our knowledge

Dr. Peter K. Rogan Lab, Western University
No classification provided (evidence only). Condition: Colorectal cancer. Review status: no classification provided. Collection method: in vitro. Allele origin: not applicable. Functional consequence: retained intron. Not counted in ClinVar's aggregate classification.